The following is an entry in ClinVar:

NM_001349338.3(FOXP1):c.288C>T (p.Pro96=)

Gene: FOXP1 (forkhead box P1; minus strand). Cytogenetic location: 3p13.
Variant type: single nucleotide variant.
Coding change: c.288C>T on transcript NM_001349338.3 (MANE Select); coding-DNA position 288, C replaced by T.
Protein change: p.Pro96=; no amino-acid change (proline 96 retained).
Molecular consequence: synonymous variant. On other transcripts: 5 prime UTR variant (7), non-coding transcript variant (2), intron variant (1).
Genome position (GRCh38, 1-based): chr3:71,053,768, G>A on the plus strand (C>T on the coding strand, the complement: FOXP1 is on the minus strand). VCF-style: chr3-71053768-G-A. GRCh37 (hg19) VCF-style: chr3-71102919-G-A.
Other names: c.288C>T, p.Pro96= (NM_001244808.3, NM_001244810.2, NM_001244814.3 and 4 more transcripts); c.-13C>T (NM_001244813.3, NM_001244815.2, NM_001349337.2 and 4 more transcripts); c.283-6673C>T (NM_001244812.3).
Identifiers: ClinVar variation 1215498 (VCV001215498.12), dbSNP rs528713688, ClinGen allele CA2491285.

ClinVar aggregate classification (germline): Likely benign. Review status: criteria provided, multiple submitters, no conflicts (2 of 4 stars). 3 submissions from 3 submitters: Likely benign (3). Last evaluated 2026-02-05.

Conditions:
FOXP1-related disorder. Also called: FOXP1-related condition.

Allele frequency attached by ClinVar (database versions not stated): gnomAD 0.00003 and 0.00004; TOPMed 0.00003; 1000 Genomes Project 30x 0.00016; 1000 Genomes Project 0.00020.
gnomAD v4.1: 56 of 1,613,946 alleles (0.0035%); highest among the groups gnomAD compares: South Asian, 0.049%; no homozygotes.

Submissions (3):

PreventionGenetics, part of Exact Sciences
Classification: Likely benign for FOXP1-related condition. Last evaluated: 2026-02-05. Review status: criteria provided, single submitter. Criteria: ACMG Guidelines, 2015. Collection method: clinical testing. Allele origin: germline.
Comment: This variant is classified as likely benign based on ACMG/AMP sequence variant interpretation guidelines (Richards et al. 2015 PMID: 25741868, with internal and published modifications).

Labcorp Genetics (formerly Invitae), Labcorp
Classification: Likely benign. Last evaluated: 2025-04-21. Review status: criteria provided, single submitter. Criteria: Invitae Variant Classification Sherloc (09022015). Collection method: clinical testing. Allele origin: germline.

GeneDx
Classification: Likely benign. Last evaluated: 2021-06-15. Review status: criteria provided, single submitter. Criteria: GeneDx Variant Classification Process June 2021. Collection method: clinical testing. Allele origin: germline. Affected: yes.